The following is an entry in ClinVar:

NM_000540.3(RYR1):c.13802T>A (p.Val4601Glu)

Gene: RYR1 (ryanodine receptor 1; plus strand). Cytogenetic location: 19q13.2.
Variant type: single nucleotide variant.
Coding change: c.13802T>A on transcript NM_000540.3 (MANE Select); coding-DNA position 13802, T replaced by A.
Protein change: p.Val4601Glu; replaces valine 4601 with glutamic acid.
Molecular consequence: missense variant.
Genome position (GRCh38, 1-based): chr19:38,572,074, T>A. VCF-style: chr19-38572074-T-A. GRCh37 (hg19) VCF-style: chr19-39062714-T-A.
Other names: c.13787T>A, p.Val4596Glu (NM_001042723.2); short protein forms V4596E, V4601E.
Identifiers: ClinVar variation 2829661 (VCV002829661.4), dbSNP rs1973739369, ClinGen allele CA405680385.
Genomic context (GRCh38, chr19:38,572,074, plus strand): 5'-TTCAGGTCTCAGACTCTCCACCAGGGGAGGACGACATGGAAGGCTCAGCTGCTGGGGATG[T>A]GTCAGGTGCAGGCTCTGGTGGCAGCTCTGGCTGGGGCTTGGGGGCCGGAGAGGAGGCAGA-3'
Protein context (NP_000531.2, residues 4591-4611): DDMEGSAAGD[Val4601Glu]SGAGSGGSSG

ClinVar aggregate classification (germline): Uncertain significance. Review status: criteria provided, multiple submitters, no conflicts (2 of 4 stars). 2 submissions from 2 submitters: Uncertain significance (2). Last evaluated 2024-08-16.

Conditions:
RYR1-related disorder. Also called: RYR1-related condition; RYR1-related disorders. Identifiers: MedGen CN239331.

Allele frequency attached by ClinVar (database versions not stated): TOPMed 0.00001.
gnomAD v4.1: 1 of 1,613,984 alleles (0.000062%); highest among the groups gnomAD compares: Non-Finnish European, 0.000085%; no homozygotes.

Submissions (2):

GeneDx
Classification: Uncertain significance. Last evaluated: 2024-08-16. Review status: criteria provided, single submitter. Criteria: GeneDx Variant Classification Process June 2021. Collection method: clinical testing. Allele origin: germline. Affected: yes.
Comment: Not observed at significant frequency in large population cohorts (gnomAD); In silico analysis indicates that this missense variant does not alter protein structure/function; Has not been previously published as pathogenic or benign to our knowledge; This variant is associated with the following publications: (PMID: 20681998, 33767344)

Labcorp Genetics (formerly Invitae), Labcorp
Classification: Uncertain significance for RYR1-related disorder. Last evaluated: 2024-05-06. Review status: criteria provided, single submitter. Criteria: Invitae Variant Classification Sherloc (09022015). Collection method: clinical testing. Allele origin: germline.
Comment: This sequence change replaces valine, which is neutral and non-polar, with glutamic acid, which is acidic and polar, at codon 4601 of the RYR1 protein (p.Val4601Glu). This variant is not present in population databases (gnomAD no frequency). This variant has not been reported in the literature in individuals affected with RYR1-related conditions. Advanced modeling of protein sequence and biophysical properties (such as structural, functional, and spatial information, amino acid conservation, physicochemical variation, residue mobility, and thermodynamic stability) performed at Invitae indicates that this missense variant is not expected to disrupt RYR1 protein function with a negative predictive value of 95%. In summary, the available evidence is currently insufficient to determine the role of this variant in disease. Therefore, it has been classified as a Variant of Uncertain Significance.